The following is an entry in ClinVar:

NM_020719.3(PRR12):c.2992G>T (p.Ala998Ser)

Gene: PRR12 (proline rich 12; plus strand). Cytogenetic location: 19q13.33.
Variant type: single nucleotide variant.
Coding change: c.2992G>T on transcript NM_020719.3 (MANE Select); coding-DNA position 2992, G replaced by T.
Protein change: p.Ala998Ser; replaces alanine 998 with serine.
Molecular consequence: missense variant.
Genome position (GRCh38, 1-based): chr19:49,597,327, G>T. VCF-style: chr19-49597327-G-T. GRCh37 (hg19) VCF-style: chr19-50100584-G-T.
Other names: c.2992G>T (NM_020719.1); short protein forms A998S.
Identifiers: ClinVar variation 3771128 (VCV003771128.14).
Genomic context (GRCh38, chr19:49,597,327, plus strand): 5'-GCTGGGCCACCCCCCGGCCCCCCTGCTTATGATCCCTATGGGCCCTACTGTCCTGGCCGG[G>T]CGTCGGGAGCCGGGCCCGAGACACCGGGCCTGGGCCTGGACCCCAACAAACCGCCTGAAC-3'
Protein context (NP_065770.1, residues 988-1008): DPYGPYCPGR[Ala998Ser]SGAGPETPGL

ClinVar aggregate classification (germline): Likely benign. Review status: criteria provided, multiple submitters, no conflicts (2 of 4 stars). 2 submissions from 2 submitters: Likely benign (2). Last evaluated 2026-08-01.

Conditions:
Inborn genetic diseases. Identifiers: MedGen C0950123, MeSH D030342.

gnomAD v4.1: 987 of 1,545,798 alleles (0.064%); highest among the groups gnomAD compares: African/African-American, 1.2%; 2 homozygotes.

Submissions (2):

CeGaT Center for Human Genetics Tuebingen
Classification: Likely benign. Last evaluated: 2026-08-01. Review status: criteria provided, single submitter. Criteria: CeGaT Center For Human Genetics Tuebingen Variant Classification Criteria Version 2. Collection method: clinical testing. Allele origin: germline. Affected: yes. Observed: 2 variant alleles.
Comment: PRR12: BS1

Ambry Genetics
Classification: Likely benign for Inborn genetic diseases. Last evaluated: 2025-08-04. Review status: criteria provided, single submitter. Criteria: Ambry Variant Classification Scheme 2023. Collection method: clinical testing. Allele origin: germline.